The following is an entry in ClinVar:

NM_006096.4(NDRG1):c.314C>G (p.Ser105Cys)

Gene: NDRG1 (N-myc downstream regulated 1; minus strand). Cytogenetic location: 8q24.22.
Variant type: single nucleotide variant.
Coding change: c.314C>G on transcript NM_006096.4 (MANE Select); coding-DNA position 314, C replaced by G.
Protein change: p.Ser105Cys; replaces serine 105 with cysteine.
Molecular consequence: missense variant.
Genome position (GRCh38, 1-based): chr8:133,262,059, G>C on the plus strand (C>G on the coding strand, the complement: NDRG1 is on the minus strand). VCF-style: chr8-133262059-G-C. GRCh37 (hg19) VCF-style: chr8-134274302-G-C.
Other names: c.314C>G, p.Ser105Cys (NM_001135242.2, NM_001374844.1, NM_001374845.1 and 1 more transcripts); c.116C>G, p.Ser39Cys (NM_001258432.2, NM_001374847.1); c.71C>G, p.Ser24Cys (NM_001258433.2); short protein forms S105C, S24C, S39C.
Identifiers: ClinVar variation 1518926 (VCV001518926.6), dbSNP rs570291930, ClinGen allele CA186382763.

ClinVar aggregate classification (germline): Uncertain significance (1 of 4 stars; one submission).

Conditions:
Charcot-Marie-Tooth disease type 4. Also called: Charcot-Marie-Tooth disease, type IV; Charcot-Marie-Tooth, Type 4. Identifiers: Orphanet 64749, MedGen C4082197, MONDO:0018995.

gnomAD v4.1: 2 of 1,612,514 alleles (0.00012%); highest among the groups gnomAD compares: African/African-American, 0.0027%; no homozygotes.

Submission:

Labcorp Genetics (formerly Invitae), Labcorp
Classification: Uncertain significance for Charcot-Marie-Tooth disease type 4. Last evaluated: 2023-08-17. Review status: criteria provided, single submitter. Criteria: Invitae Variant Classification Sherloc (09022015). Collection method: clinical testing. Allele origin: germline.
Comment: In summary, the available evidence is currently insufficient to determine the role of this variant in disease. Therefore, it has been classified as a Variant of Uncertain Significance. Advanced modeling of protein sequence and biophysical properties (such as structural, functional, and spatial information, amino acid conservation, physicochemical variation, residue mobility, and thermodynamic stability) performed at Invitae indicates that this missense variant is not expected to disrupt NDRG1 protein function. ClinVar contains an entry for this variant (Variation ID: 1518926). This variant has not been reported in the literature in individuals affected with NDRG1-related conditions. This variant is not present in population databases (gnomAD no frequency). This sequence change replaces serine, which is neutral and polar, with cysteine, which is neutral and slightly polar, at codon 105 of the NDRG1 protein (p.Ser105Cys).